The following is an entry in ClinVar:

NM_015466.4(PTPN23):c.1625C>T (p.Thr542Ile)

Gene: PTPN23 (protein tyrosine phosphatase non-receptor type 23; plus strand). Cytogenetic location: 3p21.31.
Variant type: single nucleotide variant.
Coding change: c.1625C>T on transcript NM_015466.4 (MANE Select); coding-DNA position 1625, C replaced by T.
Protein change: p.Thr542Ile; replaces threonine 542 with isoleucine.
Molecular consequence: missense variant.
Genome position (GRCh38, 1-based): chr3:47,409,070, C>T. VCF-style: chr3-47409070-C-T. GRCh37 (hg19) VCF-style: chr3-47450560-C-T.
Other names: c.1247C>T, p.Thr416Ile (NM_001304482.2); c.1625C>T (NM_015466.2); short protein forms T416I, T542I.
Identifiers: ClinVar variation 1379910 (VCV001379910.7), dbSNP rs1249454574, ClinGen allele CA352554443.

ClinVar aggregate classification (germline): Uncertain significance. Review status: criteria provided, multiple submitters, no conflicts (2 of 4 stars). 2 submissions from 2 submitters: Uncertain significance (2). Last evaluated 2024-10-04.

Conditions:
Inborn genetic diseases. Identifiers: MedGen C0950123, MeSH D030342.

Allele frequency attached by ClinVar (database versions not stated): gnomAD exomes below 0.00001 and 0.00001; gnomAD 0.00001; TOPMed 0.00003.
gnomAD v4.1: 10 of 1,611,956 alleles (0.00062%); highest among the groups gnomAD compares: African/African-American, 0.004%; no homozygotes.

Submissions (2):

Ambry Genetics
Classification: Uncertain significance for Inborn genetic diseases. Last evaluated: 2024-10-04. Review status: criteria provided, single submitter. Criteria: Ambry Variant Classification Scheme 2023. Collection method: clinical testing. Allele origin: germline.

Labcorp Genetics (formerly Invitae), Labcorp
Classification: Uncertain significance. Last evaluated: 2024-01-29. Review status: criteria provided, single submitter. Criteria: Invitae Variant Classification Sherloc (09022015). Collection method: clinical testing. Allele origin: germline.
Comment: This sequence change replaces threonine, which is neutral and polar, with isoleucine, which is neutral and non-polar, at codon 542 of the PTPN23 protein (p.Thr542Ile). This variant is present in population databases (no rsID available, gnomAD 0.003%). This variant has not been reported in the literature in individuals affected with PTPN23-related conditions. ClinVar contains an entry for this variant (Variation ID: 1379910). Experimental studies and prediction algorithms are not available or were not evaluated, and the functional significance of this variant is currently unknown. In summary, the available evidence is currently insufficient to determine the role of this variant in disease. Therefore, it has been classified as a Variant of Uncertain Significance.